The following is an entry in ClinVar:

NM_001040108.2(MLH3):c.1998T>C (p.Ser666=)

Gene: MLH3 (mutL homolog 3; minus strand). Cytogenetic location: 14q24.3.
Variant type: single nucleotide variant.
Coding change: c.1998T>C on transcript NM_001040108.2 (MANE Select); coding-DNA position 1998, T replaced by C.
Protein change: p.Ser666=; no amino-acid change (serine 666 retained).
Molecular consequence: synonymous variant.
Genome position (GRCh38, 1-based): chr14:75,047,658, A>G on the plus strand (T>C on the coding strand, the complement: MLH3 is on the minus strand). VCF-style: chr14-75047658-A-G. GRCh37 (hg19) VCF-style: chr14-75514361-A-G.
Other names: c.1998T>C, p.Ser666= (NM_014381.3).
Identifiers: ClinVar variation 2147673 (VCV002147673.6), dbSNP rs1339991404, ClinGen allele CA487273271.

ClinVar aggregate classification (germline): Benign/Likely benign. Review status: criteria provided, multiple submitters, no conflicts (2 of 4 stars). 3 submissions from 3 submitters: Benign (1); Likely benign (2). Last evaluated 2026-05-04.

Conditions:
Colorectal cancer, hereditary nonpolyposis, type 7. Identifiers: Orphanet 144, MedGen C1858380, MONDO:0013725, OMIM 614385.

Allele frequency attached by ClinVar (database versions not stated): TOPMed below 0.00001; gnomAD 0.00001.
gnomAD v4.1: 1 of 1,613,936 alleles (0.000062%); highest among the groups gnomAD compares: African/African-American, 0.0013%; no homozygotes.

Submissions (3):

Myriad Genetics, Inc.
Classification: Benign for Colorectal cancer, hereditary nonpolyposis, type 7. Last evaluated: 2026-05-04. Review status: criteria provided, single submitter. Criteria: Myriad Autosomal Dominant, Autosomal Recessive and X-Linked Classification Criteria (2023). Collection method: clinical testing. Allele origin: unknown.
Comment: This variant is considered benign. This variant is a silent/synonymous amino acid change and it is not expected to impact splicing.

Labcorp Genetics (formerly Invitae), Labcorp
Classification: Likely benign for Colorectal cancer, hereditary nonpolyposis, type 7. Last evaluated: 2024-08-30. Review status: criteria provided, single submitter. Criteria: Invitae Variant Classification Sherloc (09022015). Collection method: clinical testing. Allele origin: germline.

Ambry Genetics
Classification: Likely benign. Last evaluated: 2023-09-28. Review status: criteria provided, single submitter. Criteria: Ambry Variant Classification Scheme 2023. Collection method: clinical testing. Allele origin: germline.